The following is an entry in ClinVar:

NM_000969.5(RPL5):c.4-1G>A

Genes: DIPK1A (divergent protein kinase domain 1A; minus strand), RPL5 (ribosomal protein L5; plus strand). Cytogenetic location: 1p22.1.
Variant type: single nucleotide variant.
Coding change: c.4-1G>A on transcript NM_000969.5 (MANE Select); the canonical splice acceptor site of the intron before coding-DNA position 4, G replaced by A.
Molecular consequence: splice acceptor variant. On other transcripts: intron variant (1).
Genome position (GRCh38, 1-based): chr1:92,833,388, G>A. VCF-style: chr1-92833388-G-A. GRCh37 (hg19) VCF-style: chr1-93298945-G-A.
Other names: c.475-354C>T (NM_001252273.2).
Identifiers: ClinVar variation 2915334 (VCV002915334.4), dbSNP rs2524447545, ClinGen allele CA341240626.

ClinVar aggregate classification (germline): Likely pathogenic. Review status: criteria provided, multiple submitters, no conflicts (2 of 4 stars). 2 submissions from 2 submitters: Likely pathogenic (2). Last evaluated 2024-03-27.

Conditions:
Diamond-Blackfan anemia 6 (DBA6). Also called: RPL5-Related Diamond-Blackfan Anemia. Identifiers: Orphanet 124, MedGen C2931850, MONDO:0012937, OMIM 612561.
Diamond-Blackfan anemia. Also called: Blackfan Diamond syndrome; Aregenerative anemia chronic congenital; Red cell aplasia, pure hereditary; Congenital hypoplastic anemia; Aase syndrome. Identifiers: Orphanet 124, MedGen C1260899, MeSH D029503, MONDO:0015253, HP:0004810.

Submissions (2):

Revvity Omics, Revvity
Classification: Likely pathogenic for Diamond-Blackfan anemia 6. Last evaluated: 2024-03-27. Review status: criteria provided, single submitter. Criteria: ACMG Guidelines, 2015. Collection method: clinical testing. Allele origin: germline.

Labcorp Genetics (formerly Invitae), Labcorp
Classification: Likely pathogenic for Diamond-Blackfan anemia. Last evaluated: 2023-07-23. Review status: criteria provided, single submitter. Criteria: Invitae Variant Classification Sherloc (09022015). Collection method: clinical testing. Allele origin: germline.
Comment: In summary, the currently available evidence indicates that the variant is pathogenic, but additional data are needed to prove that conclusively. Therefore, this variant has been classified as Likely Pathogenic. This sequence change affects an acceptor splice site in intron 1 of the RPL5 gene. It is expected to disrupt RNA splicing. Variants that disrupt the donor or acceptor splice site typically lead to a loss of protein function (PMID: 16199547), and loss-of-function variants in RPL5 are known to be pathogenic (PMID: 19061985, 19773262). This variant is not present in population databases (gnomAD no frequency). Disruption of this splice site has been observed in individual(s) with clinical features of Diamond-Blackfan anemia (PMID: 30503522). Algorithms developed to predict the effect of sequence changes on RNA splicing suggest that this variant may disrupt the consensus splice site.

Literature cited by the submitters: PubMed 16199547 (cited by Labcorp Genetics (formerly Invitae), Labcorp); PubMed 19061985 (cited by Labcorp Genetics (formerly Invitae), Labcorp); PubMed 19773262 (cited by Labcorp Genetics (formerly Invitae), Labcorp); PubMed 30503522 (cited by Labcorp Genetics (formerly Invitae), Labcorp).